The following is an entry in ClinVar:

ClinVar aggregate classification (germline): Uncertain significance (1 of 4 stars; one submission).

Conditions:
EGFR-related lung cancer (EGFR). Identifiers: MedGen CN130014.

Allele frequency attached by ClinVar (database versions not stated): ExAC 0.00001; gnomAD 0.00001.
gnomAD v4.1: 4 of 1,614,116 alleles (0.00025%); highest among the groups gnomAD compares: Non-Finnish European, 0.00034%; no homozygotes.

Submission:

Labcorp Genetics (formerly Invitae), Labcorp
Classification: Uncertain significance for EGFR-related lung cancer. Last evaluated: 2025-11-17. Review status: criteria provided, single submitter. Criteria: Invitae Variant Classification Sherloc (09022015). Collection method: clinical testing. Allele origin: germline.
Comment: This sequence change replaces arginine, which is basic and polar, with cysteine, which is neutral and slightly polar, at codon 297 of the EGFR protein (p.Arg297Cys). The frequency data for this variant in the population databases is considered unreliable, as metrics indicate poor data quality at this position in the gnomAD database. This variant has not been reported in the literature in individuals affected with EGFR-related conditions. ClinVar contains an entry for this variant (Variation ID: 1503733). An algorithm developed to predict the effect of missense changes on protein structure and function (PolyPhen-2) suggests that this variant is likely to be disruptive. In summary, the available evidence is currently insufficient to determine the role of this variant in disease. Therefore, it has been classified as a Variant of Uncertain Significance.

NM_005228.5(EGFR):c.889C>T (p.Arg297Cys)

Gene: EGFR (epidermal growth factor receptor; plus strand). Cytogenetic location: 7p11.2.
Variant type: single nucleotide variant.
Coding change: c.889C>T on transcript NM_005228.5 (MANE Select); coding-DNA position 889, C replaced by T.
Protein change: p.Arg297Cys; replaces arginine 297 with cysteine.
Molecular consequence: missense variant. On other transcripts: intron variant (1).
Genome position (GRCh38, 1-based): chr7:55,154,152, C>T. VCF-style: chr7-55154152-C-T. GRCh37 (hg19) VCF-style: chr7-55221845-C-T.
Other names: c.754C>T, p.Arg252Cys (NM_001346897.2, NM_001346899.2); c.889C>T, p.Arg297Cys (NM_001346898.2, NM_201282.2, NM_201283.2 and 1 more transcripts); c.730C>T, p.Arg244Cys (NM_001346900.2); c.89-1678C>T (NM_001346941.2); short protein forms R297C, R244C, R252C.
Identifiers: ClinVar variation 1503733 (VCV001503733.6), dbSNP rs751667358, ClinGen allele CA4265380.